The following is an entry in ClinVar:

NM_173660.5(DOK7):c.1091G>T (p.Arg364Leu)

Gene: DOK7 (docking protein 7; plus strand). Cytogenetic location: 4p16.3.
Variant type: single nucleotide variant.
Coding change: c.1091G>T on transcript NM_173660.5 (MANE Select); coding-DNA position 1091, G replaced by T.
Protein change: p.Arg364Leu; replaces arginine 364 with leucine.
Molecular consequence: missense variant. On other transcripts: 3 prime UTR variant (1).
Genome position (GRCh38, 1-based): chr4:3,493,077, G>T. VCF-style: chr4-3493077-G-T. GRCh37 (hg19) VCF-style: chr4-3494804-G-T.
Other names: c.*312G>T (NM_001164673.2); c.161G>T, p.Arg54Leu (NM_001256896.2); c.1091G>T, p.Arg364Leu (NM_001301071.2); c.659G>T, p.Arg220Leu (NM_001363811.2); short protein forms R54L, R364L, R220L.
Identifiers: ClinVar variation 1373973 (VCV001373973.3), dbSNP rs201304841, ClinGen allele CA356117340.

ClinVar aggregate classification (germline): Uncertain significance (1 of 4 stars; one submission).

Conditions:
Congenital myasthenic syndrome 10. Also called: Myasthenia, limb-girdle, familial. Identifiers: Orphanet 590, MedGen C1850792, MONDO:0009690, OMIM 254300.
Fetal akinesia deformation sequence 1 (FADS1). Also called: Pena-Shokeir syndrome type I; Fetal akinesia sequence. Identifiers: Orphanet 994, MedGen C1276035, MONDO:0100101, OMIM 208150, HP:0001989.

gnomAD v4.1: 3 of 1,576,116 alleles (0.00019%); highest among the groups gnomAD compares: East Asian, 0.0046%; no homozygotes.

Submission:

Labcorp Genetics (formerly Invitae), Labcorp
Classification: Uncertain significance for Congenital myasthenic syndrome 10; Fetal akinesia deformation sequence 1. Last evaluated: 2021-08-11. Review status: criteria provided, single submitter. Criteria: Invitae Variant Classification Sherloc (09022015). Collection method: clinical testing. Allele origin: germline.
Comment: This sequence change replaces arginine with leucine at codon 364 of the DOK7 protein (p.Arg364Leu). The arginine residue is moderately conserved and there is a moderate physicochemical difference between arginine and leucine. This variant is not present in population databases (ExAC no frequency). This variant has not been reported in the literature in individuals affected with DOK7-related conditions. Algorithms developed to predict the effect of missense changes on protein structure and function (SIFT, PolyPhen-2, Align-GVGD) all suggest that this variant is likely to be tolerated. In summary, the available evidence is currently insufficient to determine the role of this variant in disease. Therefore, it has been classified as a Variant of Uncertain Significance.